The following is an entry in ClinVar:

NM_001033046.4(CYBC1):c.416C>T (p.Thr139Met)

Gene: CYBC1 (cytochrome b-245 chaperone 1; minus strand). Cytogenetic location: 17q25.3.
Variant type: single nucleotide variant.
Coding change: c.416C>T on transcript NM_001033046.4 (MANE Select); coding-DNA position 416, C replaced by T.
Protein change: p.Thr139Met; replaces threonine 139 with methionine.
Molecular consequence: missense variant. On other transcripts: non-coding transcript variant (4).
Genome position (GRCh38, 1-based): chr17:82,444,474, G>A on the plus strand (C>T on the coding strand, the complement: CYBC1 is on the minus strand). VCF-style: chr17-82444474-G-A. GRCh37 (hg19) VCF-style: chr17-80402350-G-A.
Other names: c.416C>T, p.Thr139Met (NM_001100407.3, NM_001193653.2, NM_001193654.2 and 2 more transcripts); c.374C>T, p.Thr125Met (NM_001100408.3); short protein forms T125M, T139M.
Identifiers: ClinVar variation 1682702 (VCV001682702.5), dbSNP rs139347006, ClinGen allele CA8858212.

ClinVar aggregate classification (germline): Uncertain significance (1 of 4 stars; one submission).

Allele frequency attached by ClinVar (database versions not stated): gnomAD exomes 0.00006; ExAC 0.00008; TOPMed 0.00011; gnomAD 0.00014; ESP Exome Variant Server 0.00031.

Submission:

Labcorp Genetics (formerly Invitae), Labcorp
Classification: Uncertain significance. Last evaluated: 2022-04-01. Review status: criteria provided, single submitter. Criteria: Invitae Variant Classification Sherloc (09022015). Collection method: clinical testing. Allele origin: germline.
Comment: This sequence change replaces threonine, which is neutral and polar, with methionine, which is neutral and non-polar, at codon 139 of the C17orf62 protein (p.Thr139Met). This variant is present in population databases (rs139347006, gnomAD 0.02%). This variant has not been reported in the literature in individuals affected with C17orf62-related conditions. Algorithms developed to predict the effect of missense changes on protein structure and function (SIFT, PolyPhen-2, Align-GVGD) all suggest that this variant is likely to be disruptive. In summary, the available evidence is currently insufficient to determine the role of this variant in disease. Therefore, it has been classified as a Variant of Uncertain Significance.